The following is an entry in ClinVar:

NM_007315.4(STAT1):c.541+6G>C

Gene: STAT1 (signal transducer and activator of transcription 1; minus strand). Cytogenetic location: 2q32.2.
Variant type: single nucleotide variant.
Coding change: c.541+6G>C on transcript NM_007315.4 (MANE Select); 6 bases into the intron after coding-DNA position 541, G replaced by C.
Molecular consequence: intron variant.
Genome position (GRCh38, 1-based): chr2:190,999,620, C>G on the plus strand (G>C on the coding strand, the complement: STAT1 is on the minus strand). VCF-style: chr2-190999620-C-G. GRCh37 (hg19) VCF-style: chr2-191864346-C-G.
Other names: c.541+6G>C (NM_001384880.1, NM_001384888.1, NM_001384882.1 and 5 more transcripts); c.577+6G>C (NM_001384891.1); c.547+6G>C (NM_001384884.1, NM_001384881.1); c.451+6G>C (NM_001384890.1); c.534+6G>C (NM_001384883.1).
Identifiers: ClinVar variation 998635 (VCV000998635.8), dbSNP rs775498408, ClinGen allele CA2030211.

ClinVar aggregate classification (germline): Uncertain significance (1 of 4 stars; one submission).

Conditions:
Autoimmune enteropathy and endocrinopathy - susceptibility to chronic infections syndrome. Also called: Immunodeficiency 31C; Immunodeficiency 31C, autosomal dominant. Identifiers: Orphanet 391487, MedGen C3279990, MONDO:0013599, OMIM 614162.
Mendelian susceptibility to mycobacterial diseases due to partial STAT1 deficiency. Also called: Immunodeficiency 31a; IMMUNODEFICIENCY 31A, MYCOBACTERIOSIS, AUTOSOMAL DOMINANT; STAT1 DEFICIENCY, AUTOSOMAL DOMINANT. Identifiers: Orphanet 319595, MedGen C4013950, MONDO:0013956, OMIM 614892.
Immunodeficiency 31B. Also called: STAT1 DEFICIENCY, AUTOSOMAL RECESSIVE; IMMUNODEFICIENCY 31B, MYCOBACTERIAL AND VIRAL INFECTIONS, AUTOSOMAL RECESSIVE. Identifiers: Orphanet 391311, MedGen C3151088, MONDO:0013427, OMIM 613796.

Allele frequency attached by ClinVar (database versions not stated): gnomAD exomes 0.00003 and 0.00005; ExAC 0.00006; gnomAD 0.00003; TOPMed 0.00003.
gnomAD v4.1: 20 of 1,611,394 alleles (0.0012%); highest among the groups gnomAD compares: Admixed American, 0.032%; no homozygotes.

Submission:

Labcorp Genetics (formerly Invitae), Labcorp
Classification: Uncertain significance for Mendelian susceptibility to mycobacterial diseases due to partial STAT1 deficiency; Immunodeficiency 31B; Autoimmune enteropathy and endocrinopathy - susceptibility to chronic infections syndrome. Last evaluated: 2025-02-27. Review status: criteria provided, single submitter. Criteria: Invitae Variant Classification Sherloc (09022015). Collection method: clinical testing. Allele origin: germline.
Comment: This sequence change falls in intron 7 of the STAT1 gene. It does not directly change the encoded amino acid sequence of the STAT1 protein. It affects a nucleotide within the consensus splice site. This variant is present in population databases (rs775498408, gnomAD 0.02%). This variant has not been reported in the literature in individuals affected with STAT1-related conditions. ClinVar contains an entry for this variant (Variation ID: 998635). Variants that disrupt the consensus splice site are a relatively common cause of aberrant splicing (PMID: 17576681, 9536098). Algorithms developed to predict the effect of sequence changes on RNA splicing suggest that this variant is not likely to affect RNA splicing. In summary, the available evidence is currently insufficient to determine the role of this variant in disease. Therefore, it has been classified as a Variant of Uncertain Significance.

Literature cited by the submitters: PubMed 17576681; PubMed 9536098.